The following is an entry in ClinVar:

NM_024642.5(GALNT12):c.1726T>C (p.Phe576Leu)

Gene: GALNT12 (polypeptide N-acetylgalactosaminyltransferase 12; plus strand). Cytogenetic location: 9q22.33.
Variant type: single nucleotide variant.
Coding change: c.1726T>C on transcript NM_024642.5 (MANE Select); coding-DNA position 1726, T replaced by C.
Protein change: p.Phe576Leu; replaces phenylalanine 576 with leucine.
Molecular consequence: missense variant.
Genome position (GRCh38, 1-based): chr9:98,849,072, T>C. VCF-style: chr9-98849072-T-C. GRCh37 (hg19) VCF-style: chr9-101611354-T-C.
Other names: short protein forms F576L.
Identifiers: ClinVar variation 3852674 (VCV003852674.1).

ClinVar aggregate classification (germline): Uncertain significance (1 of 4 stars; one submission).

Submission:

Ambry Genetics
Classification: Uncertain significance. Last evaluated: 2025-02-08. Review status: criteria provided, single submitter. Criteria: Ambry Variant Classification Scheme 2023. Collection method: clinical testing. Allele origin: germline.
Comment: The p.F576L variant (also known as c.1726T>C), located in coding exon 10 of the GALNT12 gene, results from a T to C substitution at nucleotide position 1726. The phenylalanine at codon 576 is replaced by leucine, an amino acid with highly similar properties. This amino acid position is conserved. In addition, the in silico prediction for this alteration is inconclusive. Based on the available evidence, the clinical significance of this variant remains unclear.